The following is an entry in ClinVar:

ClinVar aggregate classification (germline): Uncertain significance (1 of 4 stars; one submission).

gnomAD v4.1: 2 of 1,612,844 alleles (0.00012%); highest among the groups gnomAD compares: Non-Finnish European, 0.00017%; no homozygotes.

Submission:

Labcorp Genetics (formerly Invitae), Labcorp
Classification: Uncertain significance. Last evaluated: 2025-03-17. Review status: criteria provided, single submitter. Criteria: Invitae Variant Classification Sherloc (09022015). Collection method: clinical testing. Allele origin: germline.
Comment: This sequence change replaces arginine, which is basic and polar, with serine, which is neutral and polar, at codon 450 of the WHRN protein (p.Arg450Ser). This variant is not present in population databases (gnomAD no frequency). This variant has not been reported in the literature in individuals affected with WHRN-related conditions. ClinVar contains an entry for this variant (Variation ID: 860629). An algorithm developed to predict the effect of missense changes on protein structure and function (PolyPhen-2) suggests that this variant is likely to be tolerated. In summary, the available evidence is currently insufficient to determine the role of this variant in disease. Therefore, it has been classified as a Variant of Uncertain Significance.

NM_015404.4(WHRN):c.1348C>A (p.Arg450Ser)

Gene: WHRN (whirlin; minus strand). Cytogenetic location: 9q32.
Variant type: single nucleotide variant.
Coding change: c.1348C>A on transcript NM_015404.4 (MANE Select); coding-DNA position 1348, C replaced by A.
Protein change: p.Arg450Ser; replaces arginine 450 with serine.
Molecular consequence: missense variant.
Genome position (GRCh38, 1-based): chr9:114,424,402, G>T on the plus strand (C>A on the coding strand, the complement: WHRN is on the minus strand). VCF-style: chr9-114424402-G-T. GRCh37 (hg19) VCF-style: chr9-117186682-G-T.
Other names: c.199C>A, p.Arg67Ser (NM_001083885.3); c.1348C>A, p.Arg450Ser (NM_001173425.2); c.295C>A, p.Arg99Ser (NM_001346890.1); short protein forms R450S, R67S, R99S.
Identifiers: ClinVar variation 860629 (VCV000860629.7), dbSNP rs373094583, ClinGen allele CA374608608.